The following is an entry in ClinVar:

ClinVar aggregate classification (germline): Benign (1 of 4 stars; one submission).

Conditions:
Megalencephalic leukoencephalopathy with subcortical cysts 1 (MLC1). Also called: LEUKOENCEPHALOPATHY WITH SWELLING AND CYSTS; VACUOLATING MEGALENCEPHALIC LEUKOENCEPHALOPATHY WITH SUBCORTICAL CYSTS. Identifiers: Orphanet 2478, MedGen C5779875, MONDO:0024555, OMIM 604004.

Allele frequency attached by ClinVar (database versions not stated): gnomAD exomes 0.00066 and 0.00174; ExAC 0.00215; 1000 Genomes Project 30x 0.00547; 1000 Genomes Project 0.00579; ESP Exome Variant Server 0.00684; gnomAD 0.00718 and 0.00776; TOPMed 0.00767.
gnomAD v4.1: 2,111 of 1,613,214 alleles (0.13%); highest among the groups gnomAD compares: African/African-American, 2.5%; 25 homozygotes.

Submission:

Illumina Laboratory Services, Illumina
Classification: Benign for Megalencephalic leukoencephalopathy with subcortical cysts 1. Last evaluated: 2018-01-12. Review status: criteria provided, single submitter. Criteria: ICSL Variant Classification Criteria 13 December 2019. Collection method: clinical testing. Allele origin: germline.
Comment: This variant was observed in the ICSL laboratory as part of a predisposition screen in an ostensibly healthy population. It had not been previously curated by ICSL or reported in the Human Gene Mutation Database (HGMD: prior to June 1st, 2018), and was therefore a candidate for classification through an automated scoring system. Utilizing variant allele frequency, disease prevalence and penetrance estimates, and inheritance mode, an automated score was calculated to assess if this variant is too frequent to cause the disease. Based on the score and internal cut-off values, a variant classified as benign is not then subjected to further curation. The score for this variant resulted in a classification of benign for this disease.

NM_015166.4(MLC1):c.*12G>A

Gene: MLC1 (modulator of VRAC current 1; minus strand). Cytogenetic location: 22q13.33.
Variant type: single nucleotide variant.
Coding change: c.*12G>A on transcript NM_015166.4 (MANE Select); 12 bases downstream of the stop codon, G replaced by A.
Molecular consequence: 3 prime UTR variant. On other transcripts: non-coding transcript variant (3).
Genome position (GRCh38, 1-based): chr22:50,061,571, C>T on the plus strand (G>A on the coding strand, the complement: MLC1 is on the minus strand). VCF-style: chr22-50061571-C-T. GRCh37 (hg19) VCF-style: chr22-50500000-C-T.
Other names: c.*12G>A (NM_001376472.1, NM_001376473.1, NM_001376474.1 and 11 more transcripts).
Identifiers: ClinVar variation 902824 (VCV000902824.4), dbSNP rs142027672, ClinGen allele CA10303186.
Genomic context (GRCh38, chr22:50,061,571, plus strand): 5'-GCGATTAGGGGTTGTGCGTTTCCATGCTTGGGGCCAGGCTGGGCGCTGCCACCCGGTTTC[C>T]GCGTCTGGGGGTCACTGGGCCATTTGCACCACGACGGCTCTCCAGGCTTTCTCCTTGTCG-3'